The following is an entry in ClinVar:

ClinVar aggregate classification (germline): Uncertain significance (1 of 4 stars; one submission).

gnomAD v4.1: 1 of 1,610,596 alleles (0.000062%); highest among the groups gnomAD compares: Non-Finnish European, 0.000085%; no homozygotes.

Submission:

CeGaT Center for Human Genetics Tuebingen
Classification: Uncertain significance. Last evaluated: 2023-11-01. Review status: criteria provided, single submitter. Criteria: CeGaT Center For Human Genetics Tuebingen Variant Classification Criteria Version 2. Collection method: clinical testing. Allele origin: germline. Affected: yes. Observed: 1 variant allele.
Comment: BRPF3: PM2

NM_015695.3(BRPF3):c.3253C>G (p.Arg1085Gly)

Gene: BRPF3 (bromodomain and PHD finger containing 3; plus strand). Cytogenetic location: 6p21.31.
Variant type: single nucleotide variant.
Coding change: c.3253C>G on transcript NM_015695.3 (MANE Select); coding-DNA position 3253, C replaced by G.
Protein change: p.Arg1085Gly; replaces arginine 1085 with glycine.
Molecular consequence: missense variant.
Genome position (GRCh38, 1-based): chr6:36,225,338, C>G. VCF-style: chr6-36225338-C-G. GRCh37 (hg19) VCF-style: chr6-36193115-C-G.
Other names: short protein forms R1085G.
Identifiers: ClinVar variation 2673059 (VCV002673059.23), dbSNP rs1414662089, ClinGen allele CA363832250.